The following is an entry in ClinVar:

ClinVar aggregate classification (germline): Uncertain significance (1 of 4 stars; one submission).

gnomAD v4.1: 5 of 1,613,136 alleles (0.00031%); highest among the groups gnomAD compares: Non-Finnish European, 0.00034%; no homozygotes.

Submission:

GeneDx
Classification: Uncertain significance. Last evaluated: 2024-03-15. Review status: criteria provided, single submitter. Criteria: GeneDx Variant Classification Process June 2021. Collection method: clinical testing. Allele origin: germline. Affected: yes.
Comment: Not observed at significant frequency in large population cohorts (gnomAD); In silico analysis supports that this missense variant has a deleterious effect on protein structure/function; Has not been previously published as pathogenic or benign to our knowledge

NM_005458.8(GABBR2):c.667G>T (p.Asp223Tyr)

Genes: GABBR2 (gamma-aminobutyric acid type B receptor subunit 2; minus strand), LOC126860700 (CDK7 strongly-dependent group 2 enhancer GRCh37_chr9:101257622-101258821; plus strand). Cytogenetic location: 9q22.33.
Variant type: single nucleotide variant.
Coding change: c.667G>T on transcript NM_005458.8 (MANE Select); coding-DNA position 667, G replaced by T.
Protein change: p.Asp223Tyr; replaces aspartic acid 223 with tyrosine.
Molecular consequence: missense variant.
Genome position (GRCh38, 1-based): chr9:98,496,478, C>A on the plus strand (G>T on the coding strand, the complement: GABBR2 is on the minus strand). VCF-style: chr9-98496478-C-A. GRCh37 (hg19) VCF-style: chr9-101258760-C-A.
Other names: short protein forms D223Y.
Identifiers: ClinVar variation 3340957 (VCV003340957.1).
Genomic context (GRCh38, chr9:98,496,478, plus strand): 5'-GCTTTTTGACACTGGTACAGGGATCGTTGGAGAAGCTCTCGGTGTCTGAAATCTCAATGT[C>A]CTCGCCATACAGAACTCCAGTCAGGTCATTCCGCACCTGTCAGCAAAGAGAAAGCAGAGG-3'
Protein context (NP_005449.5, residues 213-233): NDLTGVLYGE[Asp223Tyr]IEISDTESFS